The following is an entry in ClinVar:

NM_000020.3(ACVRL1):c.*1041G>T

Gene: ACVRL1 (activin A receptor like type 1; plus strand). Cytogenetic location: 12q13.13.
Variant type: single nucleotide variant.
Coding change: c.*1041G>T on transcript NM_000020.3 (MANE Select); 1041 bases downstream of the stop codon, G replaced by T.
Molecular consequence: 3 prime UTR variant.
Genome position (GRCh38, 1-based): chr12:51,921,934, G>T. VCF-style: chr12-51921934-G-T. GRCh37 (hg19) VCF-style: chr12-52315718-G-T.
Other names: c.*1041G>T (NM_001077401.2).
Identifiers: ClinVar variation 309464 (VCV000309464.6), dbSNP rs199949661, ClinGen allele CA10641813.

ClinVar aggregate classification (germline): Benign. Review status: criteria provided, multiple submitters, no conflicts (2 of 4 stars). 2 submissions from 2 submitters: Benign (2). Last evaluated 2022-02-15.

Conditions:
Telangiectasia, hereditary hemorrhagic, type 2 (HHT2). Also called: ACVRL1-Related Hereditary Hemorrhagic Telangiectasia; Telangiectasia, hereditary hemorrhagic, type II. Identifiers: Orphanet 774, MedGen C1838163, MONDO:0010880, OMIM 600376. Disease mechanism: loss of function.

Allele frequency attached by ClinVar (database versions not stated): TOPMed 0.00863; gnomAD 0.00887 and 0.00961; 1000 Genomes Project 30x 0.01655; 1000 Genomes Project 0.01757.

Submissions (2):

Fulgent Genetics
Classification: Benign for Telangiectasia, hereditary hemorrhagic, type 2. Last evaluated: 2022-02-15. Review status: criteria provided, single submitter. Criteria: ACMG Guidelines, 2015. Collection method: clinical testing. Allele origin: unknown.

Illumina Laboratory Services, Illumina
Classification: Benign for Telangiectasia, hereditary hemorrhagic, type 2. Last evaluated: 2018-01-13. Review status: criteria provided, single submitter. Criteria: ICSL Variant Classification Criteria 13 December 2019. Collection method: clinical testing. Allele origin: germline.
Comment: This variant was observed in the ICSL laboratory as part of a predisposition screen in an ostensibly healthy population. It had not been previously curated by ICSL or reported in the Human Gene Mutation Database (HGMD: prior to June 1st, 2018), and was therefore a candidate for classification through an automated scoring system. Utilizing variant allele frequency, disease prevalence and penetrance estimates, and inheritance mode, an automated score was calculated to assess if this variant is too frequent to cause the disease. Based on the score and internal cut-off values, a variant classified as benign is not then subjected to further curation. The score for this variant resulted in a classification of benign for this disease.